The following is an entry in ClinVar:

NM_007254.4(PNKP):c.817-169G>T

Gene: PNKP (polynucleotide kinase 3'-phosphatase; minus strand). Cytogenetic location: 19q13.33.
Variant type: single nucleotide variant.
Coding change: c.817-169G>T on transcript NM_007254.4 (MANE Select); 169 bases into the intron before coding-DNA position 817, G replaced by T.
Molecular consequence: intron variant.
Genome position (GRCh38, 1-based): chr19:49,862,907, C>A on the plus strand (G>T on the coding strand, the complement: PNKP is on the minus strand). VCF-style: chr19-49862907-C-A. GRCh37 (hg19) VCF-style: chr19-50366164-C-A.
Identifiers: ClinVar variation 667946 (VCV000667946.1), dbSNP rs1290647, ClinGen allele CA14646119.
Genomic context (GRCh38, chr19:49,862,907, plus strand): 5'-CCCGACCTTTCATGTCCTCACTCTCCAGCCACTTTGCACCGTGCTCCTGGCCCCCTCCCC[C>A]CTCCGTGGTCTCTCCACACAGCCCCCTCCCTCCAGGTCTCCCGACTTCACCTCCTCCCGT-3'

ClinVar aggregate classification (germline): Benign (1 of 4 stars; one submission).

Allele frequency attached by ClinVar (database versions not stated): 1000 Genomes Project 0.28974; 1000 Genomes Project 30x 0.29232; TOPMed 0.35061.

Submission:

GeneDx
Classification: Benign. Last evaluated: 2018-06-14. Review status: criteria provided, single submitter. Criteria: GeneDx Variant Classification (06012015). Collection method: clinical testing. Allele origin: germline. Affected: yes.
Comment: This variant is considered likely benign or benign based on one or more of the following criteria: it is a conservative change, it occurs at a poorly conserved position in the protein, it is predicted to be benign by multiple in silico algorithms, and/or has population frequency not consistent with disease.